The following is an entry in ClinVar:

ClinVar aggregate classification (germline): Uncertain significance (1 of 4 stars; one submission).

Conditions:
Myopathy, centronuclear, 2 (CNM2). Also called: MYOTUBULAR MYOPATHY, AUTOSOMAL RECESSIVE. Identifiers: Orphanet 169186, MedGen CN031787, MONDO:0009709, OMIM 255200.

Submission:

Labcorp Genetics (formerly Invitae), Labcorp
Classification: Uncertain significance for Myopathy, centronuclear, 2. Last evaluated: 2025-11-23. Review status: criteria provided, single submitter. Criteria: Invitae Variant Classification Sherloc (09022015). Collection method: clinical testing. Allele origin: germline.
Comment: This sequence change replaces glutamic acid, which is acidic and polar, with glycine, which is neutral and non-polar, at codon 250 of the BIN1 protein (p.Glu250Gly). This variant is not present in population databases (gnomAD no frequency). This variant has not been reported in the literature in individuals affected with BIN1-related conditions. Invitae Evidence Modeling of protein sequence and biophysical properties (such as structural, functional, and spatial information, amino acid conservation, physicochemical variation, residue mobility, and thermodynamic stability) has been performed for this missense variant. However, the output from this modeling did not meet the statistical confidence thresholds required to predict the impact of this variant on BIN1 protein function. In summary, the available evidence is currently insufficient to determine the role of this variant in disease. Therefore, it has been classified as a Variant of Uncertain Significance.

NM_139343.3(BIN1):c.749A>G (p.Glu250Gly)

Gene: BIN1 (bridging integrator 1; minus strand). Cytogenetic location: 2q14.3.
Variant type: single nucleotide variant.
Coding change: c.749A>G on transcript NM_139343.3 (MANE Select); coding-DNA position 749, A replaced by G.
Protein change: p.Glu250Gly; replaces glutamic acid 250 with glycine.
Molecular consequence: missense variant.
Genome position (GRCh38, 1-based): chr2:127,063,596, T>C on the plus strand (A>G on the coding strand, the complement: BIN1 is on the minus strand). VCF-style: chr2-127063596-T-C. GRCh37 (hg19) VCF-style: chr2-127821172-T-C.
Other names: c.656A>G, p.Glu219Gly (NM_139351.3, NM_139347.3, NM_139348.3 and 6 more transcripts); c.749A>G, p.Glu250Gly (NM_001320633.2, NM_001320640.2, NM_139344.3 and 1 more transcripts); c.584A>G, p.Glu195Gly (NM_001320634.1); c.668A>G, p.Glu223Gly (NM_001320642.1); short protein forms E219G, E223G, E195G, E250G.
Identifiers: ClinVar variation 4731854 (VCV004731854.1).